The following is an entry in ClinVar:

NM_000245.4(MET):c.2198C>G (p.Thr733Arg)

Gene: MET (MET proto-oncogene, receptor tyrosine kinase; plus strand). Cytogenetic location: 7q31.2.
Variant type: single nucleotide variant.
Coding change: c.2198C>G on transcript NM_000245.4 (MANE Select); coding-DNA position 2198, C replaced by G.
Protein change: p.Thr733Arg; replaces threonine 733 with arginine.
Molecular consequence: missense variant.
Genome position (GRCh38, 1-based): chr7:116,758,554, C>G. VCF-style: chr7-116758554-C-G. GRCh37 (hg19) VCF-style: chr7-116398608-C-G.
Other names: c.2198C>G, p.Thr733Arg (NM_001127500.3, NM_001324401.3); c.908C>G, p.Thr303Arg (NM_001324402.2); short protein forms T303R, T733R.
Identifiers: ClinVar variation 4647213 (VCV004647213.1).

ClinVar aggregate classification (germline): Uncertain significance (1 of 4 stars; one submission).

Conditions:
Hereditary cancer-predisposing syndrome. Also called: Neoplastic Syndromes, Hereditary; Tumor predisposition; Hereditary Cancer Syndrome; Hereditary neoplastic syndrome. Identifiers: Orphanet 140162, MedGen C0027672, MeSH D009386, MONDO:0015356.

Submission:

Ambry Genetics
Classification: Uncertain significance for Hereditary cancer-predisposing syndrome. Last evaluated: 2025-12-07. Review status: criteria provided, single submitter. Criteria: Ambry Variant Classification Scheme 2023. Collection method: clinical testing. Allele origin: germline.
Comment: The p.T733R variant (also known as c.2198C>G), located in coding exon 8 of the MET gene, results from a C to G substitution at nucleotide position 2198. The threonine at codon 733 is replaced by arginine, an amino acid with similar properties. This amino acid position is conserved. In addition, this alteration is predicted to be tolerated by in silico analysis. Based on the available evidence, the clinical significance of this variant remains unclear.